The following is an entry in ClinVar:

NM_007272.3(CTRC):c.20T>C (p.Leu7Pro)

Gene: CTRC (chymotrypsin C; plus strand). Cytogenetic location: 1p36.21.
Variant type: single nucleotide variant.
Coding change: c.20T>C on transcript NM_007272.3 (MANE Select); coding-DNA position 20, T replaced by C.
Protein change: p.Leu7Pro; replaces leucine 7 with proline.
Molecular consequence: missense variant.
Genome position (GRCh38, 1-based): chr1:15,438,484, T>C. VCF-style: chr1-15438484-T-C. GRCh37 (hg19) VCF-style: chr1-15764980-T-C.
Other names: short protein forms L7P.
Identifiers: ClinVar variation 5035048 (VCV005035048.1).

ClinVar aggregate classification (germline): Uncertain significance (1 of 4 stars; one submission).

Conditions:
Hereditary pancreatitis (PCTT). Also called: Hereditary chronic pancreatitis; PRSS1-Related Hereditary Pancreatitis. Identifiers: Orphanet 676, MedGen C0238339, MONDO:0008185, OMIM 167800.

Submission:

Ambry Genetics
Classification: Uncertain significance for Hereditary pancreatitis. Last evaluated: 2026-07-16. Review status: criteria provided, single submitter. Criteria: Ambry Variant Classification Scheme 2023. Collection method: clinical testing. Allele origin: germline.
Comment: The p.L7P variant (also known as c.20T>C), located in coding exon 1 of the CTRC gene, results from a T to C substitution at nucleotide position 20. The leucine at codon 7 is replaced by proline, an amino acid with similar properties. This amino acid position is conserved. In addition, this alteration is predicted to be deleterious by in silico analysis. Based on the available evidence, the clinical significance of this variant remains unclear.